The following is an entry in ClinVar:

NM_001382567.1(STIM1):c.703C>T (p.Arg235Cys)

Gene: STIM1 (stromal interaction molecule 1; plus strand). Cytogenetic location: 11p15.4.
Variant type: single nucleotide variant.
Coding change: c.703C>T on transcript NM_001382567.1 (MANE Select); coding-DNA position 703, C replaced by T.
Protein change: p.Arg235Cys; replaces arginine 235 with cysteine.
Molecular consequence: missense variant. On other transcripts: non-coding transcript variant (2).
Genome position (GRCh38, 1-based): chr11:4,070,115, C>T. VCF-style: chr11-4070115-C-T. GRCh37 (hg19) VCF-style: chr11-4091345-C-T.
Other names: c.703C>T, p.Arg235Cys (NM_001277961.3, NM_001277962.2, NM_001382568.1 and 2 more transcripts); c.481C>T, p.Arg161Cys (NM_001382566.1, NM_001382573.1, NM_001382574.1 and 5 more transcripts); c.568C>T, p.Arg190Cys (NM_001382569.1); c.475C>T, p.Arg159Cys (NM_001382570.1); c.223C>T, p.Arg75Cys (NM_001382571.1); c.214C>T, p.Arg72Cys (NM_001382580.1, NM_001382581.1); short protein forms R235C, R161C, R190C, R75C, R72C, R159C.
Identifiers: ClinVar variation 4788050 (VCV004788050.1).

ClinVar aggregate classification (germline): Uncertain significance (1 of 4 stars; one submission).

Conditions:
Stormorken syndrome (STRMK). Also called: THROMBOCYTOPATHY, ASPLENIA, AND MIOSIS. Identifiers: Orphanet 3204, MedGen C1861451, MONDO:0008497, OMIM 185070.
Myopathy with tubular aggregates (TAM). Also called: Tubular Aggregate Myopathy. Identifiers: Orphanet 2593, MedGen C0410207, MONDO:0008051.
Combined immunodeficiency due to STIM1 deficiency. Also called: STIM1 DEFICIENCY; IMMUNODEFICIENCY 10. Identifiers: Orphanet 169090, Orphanet 317430, MedGen C2748557, MONDO:0013008, OMIM 612783.

gnomAD v4.1: 14 of 1,614,006 alleles (0.00087%); highest among the groups gnomAD compares: East Asian, 0.0022%; no homozygotes.

Submission:

Labcorp Genetics (formerly Invitae), Labcorp
Classification: Uncertain significance for Myopathy with tubular aggregates; Combined immunodeficiency due to STIM1 deficiency; Stormorken syndrome. Last evaluated: 2025-07-14. Review status: criteria provided, single submitter. Criteria: Invitae Variant Classification Sherloc (09022015). Collection method: clinical testing. Allele origin: germline.
Comment: This sequence change replaces arginine, which is basic and polar, with cysteine, which is neutral and slightly polar, at codon 235 of the STIM1 protein (p.Arg235Cys). This variant is present in population databases (rs770272305, gnomAD 0.006%). This variant has not been reported in the literature in individuals affected with STIM1-related conditions. Invitae Evidence Modeling of protein sequence and biophysical properties (such as structural, functional, and spatial information, amino acid conservation, physicochemical variation, residue mobility, and thermodynamic stability) has been performed for this missense variant. However, the output from this modeling did not meet the statistical confidence thresholds required to predict the impact of this variant on STIM1 protein function. In summary, the available evidence is currently insufficient to determine the role of this variant in disease. Therefore, it has been classified as a Variant of Uncertain Significance.